The following is an entry in ClinVar:

NM_001330078.2(NRXN1):c.3856G>A (p.Gly1286Arg)

Gene: NRXN1 (neurexin 1; minus strand). Cytogenetic location: 2p16.3.
Variant type: single nucleotide variant.
Coding change: c.3856G>A on transcript NM_001330078.2 (MANE Select); coding-DNA position 3856, G replaced by A.
Protein change: p.Gly1286Arg; replaces glycine 1286 with arginine.
Molecular consequence: missense variant.
Genome position (GRCh38, 1-based): chr2:50,053,543, C>T on the plus strand (G>A on the coding strand, the complement: NRXN1 is on the minus strand). VCF-style: chr2-50053543-C-T. GRCh37 (hg19) VCF-style: chr2-50280681-C-T.
Other names: c.3976G>A, p.Gly1326Arg (NM_001135659.3); c.3832G>A, p.Gly1278Arg (NM_001330077.2, NM_001330082.2); c.3700G>A, p.Gly1234Arg (NM_001330083.2); c.3790G>A, p.Gly1264Arg (NM_001330084.2); c.3829G>A, p.Gly1277Arg (NM_001330085.2); c.3856G>A, p.Gly1286Arg (NM_001330086.2); c.3655G>A, p.Gly1219Arg (NM_001330087.2, NM_001330096.2); c.3685G>A, p.Gly1229Arg (NM_001330088.2); and 6 more; short protein forms G1326R, G221R, G1229R, G1239R, G1264R, G1277R, G1278R, G1285R.
Identifiers: ClinVar variation 2080710 (VCV002080710.4), dbSNP rs928022072, ClinGen allele CA47835532.

ClinVar aggregate classification (germline): Uncertain significance (1 of 4 stars; one submission).

Conditions:
Pitt-Hopkins-like syndrome 2 (PTHSL2). Identifiers: Orphanet 221150, Orphanet 600663, MedGen C3280479, MONDO:0013690, OMIM 614325.

Allele frequency attached by ClinVar (database versions not stated): TOPMed 0.00001; gnomAD exomes 0.00002.
gnomAD v4.1: 26 of 1,614,020 alleles (0.0016%); highest among the groups gnomAD compares: East Asian, 0.0045%; no homozygotes.

Submission:

Labcorp Genetics (formerly Invitae), Labcorp
Classification: Uncertain significance for Pitt-Hopkins-like syndrome 2. Last evaluated: 2026-01-19. Review status: criteria provided, single submitter. Criteria: Invitae Variant Classification Sherloc (09022015). Collection method: clinical testing. Allele origin: germline.
Comment: This sequence change replaces glycine, which is neutral and non-polar, with arginine, which is basic and polar, at codon 1326 of the NRXN1 protein (p.Gly1326Arg). This variant is present in population databases (no rsID available, gnomAD 0.006%). This variant has not been reported in the literature in individuals affected with NRXN1-related conditions. ClinVar contains an entry for this variant (Variation ID: 2080710). Invitae Evidence Modeling of protein sequence and biophysical properties (such as structural, functional, and spatial information, amino acid conservation, physicochemical variation, residue mobility, and thermodynamic stability) indicates that this missense variant is not expected to disrupt NRXN1 protein function with a negative predictive value of 80%. In summary, the available evidence is currently insufficient to determine the role of this variant in disease. Therefore, it has been classified as a Variant of Uncertain Significance.